The following is an entry in ClinVar:

ClinVar aggregate classification (germline): Uncertain significance (1 of 4 stars; one submission).

Conditions:
Charcot-Marie-Tooth disease dominant intermediate E. Also called: CHARCOT-MARIE-TOOTH NEUROPATHY WITH FOCAL SEGMENTAL GLOMERULONEPHRITIS. Identifiers: Orphanet 93114, MedGen C4302667, MONDO:0013758, OMIM 614455.
Focal segmental glomerulosclerosis 5 (FSGS5). Identifiers: Orphanet 656, MedGen C2750475, MONDO:0013191, OMIM 613237.

Submission:

Labcorp Genetics (formerly Invitae), Labcorp
Classification: Uncertain significance for Charcot-Marie-Tooth disease dominant intermediate E; Focal segmental glomerulosclerosis 5. Last evaluated: 2021-12-17. Review status: criteria provided, single submitter. Criteria: Invitae Variant Classification Sherloc (09022015). Collection method: clinical testing. Allele origin: germline.
Comment: In summary, the available evidence is currently insufficient to determine the role of this variant in disease. Therefore, it has been classified as a Variant of Uncertain Significance. Variants that disrupt the consensus splice site are a relatively common cause of aberrant splicing (PMID: 17576681, 9536098). Algorithms developed to predict the effect of sequence changes on RNA splicing suggest that this variant may disrupt the consensus splice site. This variant has not been reported in the literature in individuals affected with INF2-related conditions. This variant is not present in population databases (gnomAD no frequency). This sequence change falls in intron 8 of the INF2 gene. It does not directly change the encoded amino acid sequence of the INF2 protein. It affects a nucleotide within the consensus splice site.

Literature cited by the submitters: PubMed 17576681; PubMed 9536098.

NM_022489.4(INF2):c.1735+5G>A

Gene: INF2 (inverted formin 2; plus strand). Cytogenetic location: 14q32.33.
Variant type: single nucleotide variant.
Coding change: c.1735+5G>A on transcript NM_022489.4 (MANE Select); 5 bases into the intron after coding-DNA position 1735, G replaced by A.
Molecular consequence: intron variant.
Genome position (GRCh38, 1-based): chr14:104,708,007, G>A. VCF-style: chr14-104708007-G-A. GRCh37 (hg19) VCF-style: chr14-105174344-G-A.
Other names: c.1735+5G>A (NM_001031714.4).
Identifiers: ClinVar variation 2045780 (VCV002045780.4), dbSNP rs2541922757, ClinGen allele CA2580088494.